The following is an entry in ClinVar:

NM_001394062.1(MACF1):c.2155-3C>T

Gene: MACF1 (microtubule actin crosslinking factor 1; plus strand). Cytogenetic location: 1p34.3.
Variant type: single nucleotide variant.
Coding change: c.2155-3C>T on transcript NM_001394062.1 (MANE Select); 3 bases into the intron before coding-DNA position 2155, C replaced by T.
Molecular consequence: intron variant.
Genome position (GRCh38, 1-based): chr1:39,295,043, C>T. VCF-style: chr1-39295043-C-T. GRCh37 (hg19) VCF-style: chr1-39760715-C-T.
Other names: c.2170-3C>T (NM_012090.5).
Identifiers: ClinVar variation 4689546 (VCV004689546.1).

ClinVar aggregate classification (germline): Uncertain significance (1 of 4 stars; one submission).

gnomAD v4.1: 4 of 1,609,260 alleles (0.00025%); highest among the groups gnomAD compares: South Asian, 0.0044%; no homozygotes.

Submission:

Women's Health and Genetics/Laboratory Corporation of America, LabCorp
Classification: Uncertain significance. Last evaluated: 2026-01-08. Review status: criteria provided, single submitter. Criteria: LabCorp Variant Classification Summary - May 2015. Collection method: clinical testing. Allele origin: germline.
Comment: Variant summary: MACF1 c.2170-3C>T alters a conserved nucleotide located close to a canonical splice site and therefore could affect mRNA splicing, leading to a significantly altered protein sequence. Consensus agreement among computation tools predict no significant impact on normal splicing. However, these predictions have yet to be confirmed by functional studies. The variant allele was found at a frequency of 4e-06 in 251210 control chromosomes. The available data on variant occurrences in the general population are insufficient to allow any conclusion about variant significance. To our knowledge, no occurrence of c.2170-3C>T in individuals affected with MACF1-related conditions and no experimental evidence demonstrating its impact on protein function have been reported. No submitters have cited clinical-significance assessments for this variant to ClinVar. Based on the evidence outlined above, the variant was classified as uncertain significance.